The following is an entry in ClinVar:

ClinVar aggregate classification (germline): Uncertain significance (1 of 4 stars; one submission).

Submission:

Labcorp Genetics (formerly Invitae), Labcorp
Classification: Uncertain significance. Last evaluated: 2023-01-11. Review status: criteria provided, single submitter. Criteria: Invitae Variant Classification Sherloc (09022015). Collection method: clinical testing. Allele origin: germline.
Comment: This variant has not been reported in the literature in individuals affected with HMCN1-related conditions. In summary, the available evidence is currently insufficient to determine the role of this variant in disease. Therefore, it has been classified as a Variant of Uncertain Significance. Algorithms developed to predict the effect of missense changes on protein structure and function output the following: SIFT: "Deleterious"; PolyPhen-2: "Probably Damaging"; Align-GVGD: "Class C15". The phenylalanine amino acid residue is found in multiple mammalian species, which suggests that this missense change does not adversely affect protein function. This variant is not present in population databases (gnomAD no frequency). This sequence change replaces leucine, which is neutral and non-polar, with phenylalanine, which is neutral and non-polar, at codon 5517 of the HMCN1 protein (p.Leu5517Phe).

NM_031935.3(HMCN1):c.16549C>T (p.Leu5517Phe)

Gene: HMCN1 (hemicentin 1; plus strand). Cytogenetic location: 1q31.1.
Variant type: single nucleotide variant.
Coding change: c.16549C>T on transcript NM_031935.3 (MANE Select); coding-DNA position 16549, C replaced by T.
Protein change: p.Leu5517Phe; replaces leucine 5517 with phenylalanine.
Molecular consequence: missense variant.
Genome position (GRCh38, 1-based): chr1:186,189,519, C>T. VCF-style: chr1-186189519-C-T. GRCh37 (hg19) VCF-style: chr1-186158651-C-T.
Other names: short protein forms L5517F.
Identifiers: ClinVar variation 2993734 (VCV002993734.3), dbSNP rs148212702, ClinGen allele CA343904505.